The following is an entry in ClinVar:

NM_000264.5(PTCH1):c.3256C>G (p.Leu1086Val)

Gene: PTCH1 (patched 1; minus strand). Cytogenetic location: 9q22.32.
Variant type: single nucleotide variant.
Coding change: c.3256C>G on transcript NM_000264.5 (MANE Select); coding-DNA position 3256, C replaced by G.
Protein change: p.Leu1086Val; replaces leucine 1086 with valine.
Molecular consequence: missense variant. On other transcripts: non-coding transcript variant (1).
Genome position (GRCh38, 1-based): chr9:95,456,326, G>C on the plus strand (C>G on the coding strand, the complement: PTCH1 is on the minus strand). VCF-style: chr9-95456326-G-C. GRCh37 (hg19) VCF-style: chr9-98218608-G-C.
Other names: c.3058C>G, p.Leu1020Val (NM_001083602.3); c.3253C>G, p.Leu1085Val (NM_001083603.3); c.2803C>G, p.Leu935Val (NM_001083604.3, NM_001083605.3, NM_001083606.3 and 1 more transcripts); c.3100C>G, p.Leu1034Val (NM_001354918.2); short protein forms L935V, L1020V, L1034V, L1085V, L1086V.
Identifiers: ClinVar variation 1444445 (VCV001444445.6), dbSNP rs777291938, ClinGen allele CA374112053.
Genomic context (GRCh38, chr9:95,456,326, plus strand): 5'-TCTCCCATACCAAAGCAACGTGAACGGTGAACTCCACTCCTATGCCAACAGAAGCGATCA[G>C]GATGACCACGGGCACGGCACTGAGCTTGATTCCGATGAGGCCCATCATGCCGAACAGCTC-3'
Protein context (NP_000255.2, residues 1076-1096): IKLSAVPVVI[Leu1086Val]IASVGIGVEF

ClinVar aggregate classification (germline): Uncertain significance (1 of 4 stars; one submission).

Conditions:
Gorlin syndrome. Also called: Basal cell nevus syndrome; Nevoid Basal Cell Carcinoma Syndrome. Identifiers: Orphanet 377, MedGen C0004779, MONDO:0007187.

gnomAD v4.1: 1 of 1,614,090 alleles (0.000062%); highest among the groups gnomAD compares: Non-Finnish European, 0.000085%; no homozygotes.

Submission:

Labcorp Genetics (formerly Invitae), Labcorp
Classification: Uncertain significance for Gorlin syndrome. Last evaluated: 2024-04-10. Review status: criteria provided, single submitter. Criteria: Invitae Variant Classification Sherloc (09022015). Collection method: clinical testing. Allele origin: germline.
Comment: This sequence change replaces leucine, which is neutral and non-polar, with valine, which is neutral and non-polar, at codon 1086 of the PTCH1 protein (p.Leu1086Val). This variant is not present in population databases (gnomAD no frequency). This variant has not been reported in the literature in individuals affected with PTCH1-related conditions. ClinVar contains an entry for this variant (Variation ID: 1444445). Advanced modeling of protein sequence and biophysical properties (such as structural, functional, and spatial information, amino acid conservation, physicochemical variation, residue mobility, and thermodynamic stability) performed at Invitae indicates that this missense variant is not expected to disrupt PTCH1 protein function with a negative predictive value of 95%. In summary, the available evidence is currently insufficient to determine the role of this variant in disease. Therefore, it has been classified as a Variant of Uncertain Significance.